The following is an entry in ClinVar:

NM_000128.4(F11):c.1197_1198delinsCACTCAGCAGCACGA (p.Trp399fs)

Gene: F11 (coagulation factor XI; plus strand). Cytogenetic location: 4q35.2.
Variant type: Indel.
Coding change: c.1197_1198delinsCACTCAGCAGCACGA on transcript NM_000128.4 (MANE Select); coding-DNA positions 1197 to 1198, GC replaced by CACTCAGCAGCACGA.
Protein change: p.Trp399fs; shifts the reading frame from tryptophan 399.
Molecular consequence: frameshift variant.
Genome position (GRCh38, 1-based): chr4:186,284,153-186,284,154, GC replaced by CACTCAGCAGCACGA. VCF-style: chr4-186284153-GC-CACTCAGCAGCACGA. GRCh37 (hg19) VCF-style: chr4-187205307-GC-CACTCAGCAGCACGA.
Other names: c.1149_1150delinsCACTCAGCAGCACGA, p.Trp383fs (NM_001440590.1, NM_001440596.1); c.1197_1198delinsCACTCAGCAGCACGA, p.Trp399fs (NM_001440593.1); c.927_928delinsCACTCAGCAGCACGA, p.Trp309fs (NM_001440605.1, NM_001440607.1); c.879_880delinsCACTCAGCAGCACGA, p.Trp293fs (NM_001440606.1, NM_001440608.1); short protein forms W293fs, W309fs, W383fs, W399fs.
Identifiers: ClinVar variation 5016410 (VCV005016410.1).

ClinVar aggregate classification (germline): Pathogenic (1 of 4 stars; one submission).

Conditions:
Hereditary factor XI deficiency disease. Also called: PLASMA THROMBOPLASTIN ANTECEDENT DEFICIENCY; PTA DEFICIENCY; ROSENTHAL SYNDROME; Congenital factor XI deficiency. Identifiers: Orphanet 329, MedGen C0015523, MeSH D005173, MONDO:0012897, OMIM 612416.

Submission:

Myriad Genetics, Inc.
Classification: Pathogenic for Hereditary factor XI deficiency disease. Last evaluated: 2024-05-14. Review status: criteria provided, single submitter. Criteria: Myriad Autosomal Dominant, Autosomal Recessive and X-Linked Classification Criteria (2023). Collection method: clinical testing. Allele origin: unknown.
Comment: NM_000128.3(F11):c.1197_1198del2ins15(W399Cfs*46) is expected to be pathogenic in the context of factor XI deficiency. This variant is predicted to lead to an abnormal or absent protein product due to the creation of a premature termination codon in F11, a gene where loss-of-function variants are known to be pathogenic. Please note: this variant was assessed in the context of healthy population screening.